The following is an entry in ClinVar:

ClinVar aggregate classification (germline): Uncertain significance. Review status: criteria provided, multiple submitters, no conflicts (2 of 4 stars). 2 submissions from 2 submitters: Uncertain significance (2). Last evaluated 2022-06-08.

Conditions:
Mucopolysaccharidosis, MPS-III-D (MPS3D). Also called: N-ACETYLGLUCOSAMINE-6-SULFATASE DEFICIENCY; SANFILIPPO SYNDROME D; MPS IIID (Sanfilippo Syndrome Type D); MUCOPOLYSACCHARIDOSIS, TYPE IIID; MPS III D; Mucopoly-saccharidosis type 3D. Identifiers: Orphanet 581, Orphanet 79272, MedGen C0086650, MONDO:0009658, OMIM 252940.

Allele frequency attached by ClinVar (database versions not stated): TOPMed 0.00002.
gnomAD v4.1: 15 of 1,536,146 alleles (0.00098%); highest among the groups gnomAD compares: Middle Eastern, 0.035%; no homozygotes.

Submissions (3):

Labcorp Genetics (formerly Invitae), Labcorp
Classification: Uncertain significance for Mucopolysaccharidosis, MPS-III-D. Last evaluated: 2022-06-08. Review status: criteria provided, single submitter. Criteria: Invitae Variant Classification Sherloc (09022015). Collection method: clinical testing. Allele origin: germline.
Comment: This sequence change replaces methionine, which is neutral and non-polar, with valine, which is neutral and non-polar, at codon 77 of the GNS protein (p.Met77Val). This variant is present in population databases (no rsID available, gnomAD 0.002%). This variant has not been reported in the literature in individuals affected with GNS-related conditions. ClinVar contains an entry for this variant (Variation ID: 882636). Algorithms developed to predict the effect of missense changes on protein structure and function (SIFT, PolyPhen-2, Align-GVGD) all suggest that this variant is likely to be tolerated. Algorithms developed to predict the effect of sequence changes on RNA splicing suggest that this variant may create or strengthen a splice site. In summary, the available evidence is currently insufficient to determine the role of this variant in disease. Therefore, it has been classified as a Variant of Uncertain Significance.

Illumina Laboratory Services, Illumina
Classification: Uncertain significance for Mucopolysaccharidosis, MPS-III-D. Last evaluated: 2018-01-13. Review status: criteria provided, single submitter. Criteria: ICSL Variant Classification Criteria 13 December 2019. Collection method: clinical testing. Allele origin: germline.

Dr. Peter K. Rogan Lab, Western University
No classification provided (evidence only). Condition: Ovarian serous cystadenocarcinoma. Review status: no classification provided. Collection method: in vitro. Allele origin: not applicable. Functional consequence: retained intron. Not counted in ClinVar's aggregate classification.

NM_002076.4(GNS):c.229A>G (p.Met77Val)

Gene: GNS (glucosamine (N-acetyl)-6-sulfatase; minus strand). Cytogenetic location: 12q14.3.
Variant type: single nucleotide variant.
Coding change: c.229A>G on transcript NM_002076.4 (MANE Select); coding-DNA position 229, A replaced by G.
Protein change: p.Met77Val; replaces methionine 77 with valine.
Molecular consequence: missense variant.
Genome position (GRCh38, 1-based): chr12:64,752,721, T>C on the plus strand (A>G on the coding strand, the complement: GNS is on the minus strand). VCF-style: chr12-64752721-T-C. GRCh37 (hg19) VCF-style: chr12-65146501-T-C.
Other names: short protein forms M77V.
Identifiers: ClinVar variation 882636 (VCV000882636.6), dbSNP rs763723151, ClinGen allele CA238296380.